The following is an entry in ClinVar:

ClinVar aggregate classification (germline): Uncertain significance (1 of 4 stars; one submission).

Conditions:
TLR8-related condition.

Submission:

PreventionGenetics, part of Exact Sciences
Classification: Uncertain significance for TLR8-related condition. Last evaluated: 2026-02-24. Review status: criteria provided, single submitter. Criteria: ACMG Guidelines, 2015. Collection method: clinical testing. Allele origin: germline.
Comment: The TLR8 c.2242G>T variant is predicted to result in the amino acid substitution p.Gly748Cys. To our knowledge, this variant has not been reported in the literature or in a large population database (gnomAD), indicating this variant is rare. At this time, the clinical significance of this variant is uncertain due to the absence of conclusive functional and genetic evidence.

NM_138636.5(TLR8):c.2188G>T (p.Gly730Cys)

Genes: TLR8 (toll like receptor 8; plus strand), TLR8-AS1 (TLR8 antisense RNA 1; minus strand). Cytogenetic location: Xp22.2.
Variant type: single nucleotide variant.
Coding change: c.2188G>T on transcript NM_138636.5 (MANE Select); coding-DNA position 2188, G replaced by T.
Protein change: p.Gly730Cys; replaces glycine 730 with cysteine.
Molecular consequence: missense variant.
Genome position (GRCh38, 1-based): chrX:12,921,228, G>T. VCF-style: chrX-12921228-G-T. GRCh37 (hg19) VCF-style: chrX-12939347-G-T.
Other names: c.2242G>T, p.Gly748Cys (NM_016610.4); short protein forms G730C, G748C.
Identifiers: ClinVar variation 4995752 (VCV004995752.1).
Genomic context (GRCh38, chrX:12,921,228, plus strand): 5'-TTTACATCTTCCCTTCGGACACTGCTGCTGAGTCATAACAGGATTTCCCACCTACCCTCT[G>T]GCTTTCTTTCTGAAGTCAGTAGTCTGAAGCACCTCGATTTAAGTTCCAATCTGCTAAAAA-3'
Protein context (NP_619542.1, residues 720-740): SHNRISHLPS[Gly730Cys]FLSEVSSLKH